The following is an entry in ClinVar:

NM_182760.4(SUMF1):c.38G>A (p.Cys13Tyr)

Gene: SUMF1 (sulfatase modifying factor 1; minus strand). Cytogenetic location: 3p26.1.
Variant type: single nucleotide variant.
Coding change: c.38G>A on transcript NM_182760.4 (MANE Select); coding-DNA position 38, G replaced by A.
Protein change: p.Cys13Tyr; replaces cysteine 13 with tyrosine.
Molecular consequence: missense variant.
Genome position (GRCh38, 1-based): chr3:4,467,208, C>T on the plus strand (G>A on the coding strand, the complement: SUMF1 is on the minus strand). VCF-style: chr3-4467208-C-T. GRCh37 (hg19) VCF-style: chr3-4508892-C-T.
Other names: c.38G>A, p.Cys13Tyr (NM_001164674.2, NM_001164675.2); c.38G>A (NM_182760.3); short protein forms C13Y.
Identifiers: ClinVar variation 1383137 (VCV001383137.4), dbSNP rs368104860, ClinGen allele CA2230738.

ClinVar aggregate classification (germline): Conflicting classifications of pathogenicity. Review status: criteria provided, conflicting classifications (1 of 4 stars). 2 submissions from 2 submitters: Uncertain significance (1); Likely benign (1). Last evaluated 2025-12-09.

Conditions:
Multiple sulfatase deficiency (MSD). Also called: Mucosulfatidosis; Multiple Sulfatase Deficiency Disease; Sulfatidosis, Juvenile, Austin Type. Identifiers: Orphanet 585, MedGen C0268263, MONDO:0010088, OMIM 272200.
Inborn genetic diseases. Identifiers: MedGen C0950123, MeSH D030342.

Allele frequency attached by ClinVar (database versions not stated): ESP Exome Variant Server 0.00008.
gnomAD v4.1: 10 of 1,611,618 alleles (0.00062%); highest among the groups gnomAD compares: African/African-American, 0.0027%; no homozygotes.

Submissions (2):

Ambry Genetics
Classification: Likely benign for Inborn genetic diseases. Last evaluated: 2025-12-09. Review status: criteria provided, single submitter. Criteria: Ambry Variant Classification Scheme 2023. Collection method: clinical testing. Allele origin: germline.

Labcorp Genetics (formerly Invitae), Labcorp
Classification: Uncertain significance for Multiple sulfatase deficiency. Last evaluated: 2022-07-12. Review status: criteria provided, single submitter. Criteria: Invitae Variant Classification Sherloc (09022015). Collection method: clinical testing. Allele origin: germline.
Comment: This sequence change replaces cysteine, which is neutral and slightly polar, with tyrosine, which is neutral and polar, at codon 13 of the SUMF1 protein (p.Cys13Tyr). This variant is present in population databases (rs368104860, gnomAD 0.01%). This variant has not been reported in the literature in individuals affected with SUMF1-related conditions. ClinVar contains an entry for this variant (Variation ID: 1383137). Algorithms developed to predict the effect of missense changes on protein structure and function output the following: SIFT: "Tolerated"; PolyPhen-2: "Benign"; Align-GVGD: "Class C0". The tyrosine amino acid residue is found in multiple mammalian species, which suggests that this missense change does not adversely affect protein function. In summary, the available evidence is currently insufficient to determine the role of this variant in disease. Therefore, it has been classified as a Variant of Uncertain Significance.